The following is an entry in ClinVar:

NM_000751.3(CHRND):c.1252C>G (p.Arg418Gly)

Gene: CHRND (cholinergic receptor nicotinic delta subunit; plus strand). Cytogenetic location: 2q37.1.
Variant type: single nucleotide variant.
Coding change: c.1252C>G on transcript NM_000751.3 (MANE Select); coding-DNA position 1252, C replaced by G.
Protein change: p.Arg418Gly; replaces arginine 418 with glycine.
Molecular consequence: missense variant.
Genome position (GRCh38, 1-based): chr2:232,534,135, C>G. VCF-style: chr2-232534135-C-G. GRCh37 (hg19) VCF-style: chr2-233398845-C-G.
Other names: c.1207C>G, p.Arg403Gly (NM_001256657.2); c.670C>G, p.Arg224Gly (NM_001311195.2); c.949C>G, p.Arg317Gly (NM_001311196.2); short protein forms R418G, R224G, R317G, R403G.
Identifiers: ClinVar variation 2854790 (VCV002854790.3), dbSNP rs148415132, ClinGen allele CA351005346.
Genomic context (GRCh38, chr2:232,534,135, plus strand): 5'-GACCTCATGTTCGAGAAGCAGTCAGAGCGGCATGGGCTGGCCAGGCGCCTCACCACTGCA[C>G]GTGGGTCCCCGCTGGTCTTGGTTTTCAGCCCATCTGTGGGAGGTGGGTGGAGGCAGGCCT-3'
Protein context (NP_000742.1, residues 408-428): HGLARRLTTA[Arg418Gly]RPPASSEQAQ

ClinVar aggregate classification (germline): Uncertain significance (1 of 4 stars; one submission).

Conditions:
Lethal multiple pterygium syndrome (LMPS). Identifiers: Orphanet 33108, MedGen C1854678, MONDO:0009668, OMIM 253290.

Submission:

Labcorp Genetics (formerly Invitae), Labcorp
Classification: Uncertain significance for Lethal multiple pterygium syndrome. Last evaluated: 2024-03-04. Review status: criteria provided, single submitter. Criteria: Invitae Variant Classification Sherloc (09022015). Collection method: clinical testing. Allele origin: germline.
Comment: This sequence change replaces arginine, which is basic and polar, with glycine, which is neutral and non-polar, at codon 418 of the CHRND protein (p.Arg418Gly). This variant is not present in population databases (gnomAD no frequency). This variant has not been reported in the literature in individuals affected with CHRND-related conditions. An algorithm developed to predict the effect of missense changes on protein structure and function (PolyPhen-2) suggests that this variant is likely to be tolerated. In summary, the available evidence is currently insufficient to determine the role of this variant in disease. Therefore, it has been classified as a Variant of Uncertain Significance.